The following is an entry in ClinVar:

NM_177438.3(DICER1):c.4873T>C (p.Ser1625Pro)

Gene: DICER1 (dicer 1, ribonuclease III; minus strand). Cytogenetic location: 14q32.13.
Variant type: single nucleotide variant.
Coding change: c.4873T>C on transcript NM_177438.3 (MANE Select); coding-DNA position 4873, T replaced by C.
Protein change: p.Ser1625Pro; replaces serine 1625 with proline.
Molecular consequence: missense variant.
Genome position (GRCh38, 1-based): chr14:95,096,047, A>G on the plus strand (T>C on the coding strand, the complement: DICER1 is on the minus strand). VCF-style: chr14-95096047-A-G. GRCh37 (hg19) VCF-style: chr14-95562384-A-G.
Other names: c.4873T>C, p.Ser1625Pro (NM_001195573.1, NM_001271282.3, NM_001291628.2 and 1 more transcripts); short protein forms S1625P.
Identifiers: ClinVar variation 412053 (VCV000412053.27), dbSNP rs529131866, ClinGen allele CA7330782.

ClinVar aggregate classification (germline): Conflicting classifications of pathogenicity. Review status: criteria provided, conflicting classifications (1 of 4 stars). 5 submissions from 5 submitters: Uncertain significance (1); Benign (1); Likely benign (3). Last evaluated 2025-12-29.

Conditions:
Ovarian cancer. Also called: OVARIAN CANCER, SOMATIC. Identifiers: Orphanet 213500, MedGen C1140680, MONDO:0008170, OMIM 167000.
DICER1-related tumor predisposition. Also called: DICER1-related pleuropulmonary blastoma cancer predisposition syndrome; DICER1 syndrome. Identifiers: Orphanet 284343, MedGen C3839822, MONDO:0100216.
Hereditary cancer-predisposing syndrome. Also called: Hereditary neoplastic syndrome; Neoplastic Syndromes, Hereditary; Tumor predisposition; Hereditary Cancer Syndrome. Identifiers: Orphanet 140162, MedGen C0027672, MeSH D009386, MONDO:0015356.

Allele frequency attached by ClinVar (database versions not stated): ExAC 0.00001; gnomAD 0.00001; gnomAD exomes 0.00001; TOPMed 0.00002; 1000 Genomes Project 30x 0.00016; 1000 Genomes Project 0.00020.
gnomAD v4.1: 12 of 1,614,254 alleles (0.00074%); highest among the groups gnomAD compares: East Asian, 0.0067%; no homozygotes.

Submissions (5):

Center for Genomic Medicine, Rigshospitalet, Copenhagen University Hospital
Classification: Uncertain significance. Last evaluated: 2025-12-29. Review status: criteria provided, single submitter. Criteria: ACMG Guidelines, 2015. Collection method: clinical testing. Allele origin: germline.
Comment: Classification criteria: BP4

Labcorp Genetics (formerly Invitae), Labcorp
Classification: Likely benign for DICER1-related tumor predisposition. Last evaluated: 2025-12-16. Review status: criteria provided, single submitter. Criteria: Invitae Variant Classification Sherloc (09022015). Collection method: clinical testing. Allele origin: germline.

Ambry Genetics
Classification: Likely benign for Hereditary cancer-predisposing syndrome. Last evaluated: 2024-08-23. Review status: criteria provided, single submitter. Criteria: Ambry Variant Classification Scheme 2023. Collection method: clinical testing. Allele origin: germline.

Department of Pathology and Laboratory Medicine, Sinai Health System
Classification: Likely benign for DICER1-related tumor predisposition. Last evaluated: 2022-08-23. Review status: criteria provided, single submitter. Criteria: ACMG Guidelines, 2015. Collection method: clinical testing. Allele origin: germline. Affected: yes.

Laboratory of Molecular Epidemiology of Birth Defects, West China Second University Hospital, Sichuan University
Classification: Benign for Ovarian cancer. Last evaluated: 2022-01-01. Review status: criteria provided, single submitter. Criteria: ACMG Guidelines, 2015. Collection method: clinical testing. Allele origin: germline. Affected: yes.